The following is an entry in ClinVar:

NM_002485.5(NBN):c.716G>A (p.Ser239Asn)

Gene: NBN (nibrin; minus strand). Cytogenetic location: 8q21.3.
Variant type: single nucleotide variant.
Coding change: c.716G>A on transcript NM_002485.5 (MANE Select); coding-DNA position 716, G replaced by A.
Protein change: p.Ser239Asn; replaces serine 239 with asparagine.
Molecular consequence: missense variant.
Genome position (GRCh38, 1-based): chr8:89,970,544, C>T on the plus strand (G>A on the coding strand, the complement: NBN is on the minus strand). VCF-style: chr8-89970544-C-T. GRCh37 (hg19) VCF-style: chr8-90982772-C-T.
Other names: c.470G>A, p.Ser157Asn (NM_001024688.3); short protein forms S239N, S157N.
Identifiers: ClinVar variation 2452390 (VCV002452390.2), dbSNP rs1811465977, ClinGen allele CA371658873.

ClinVar aggregate classification (germline): Uncertain significance (1 of 4 stars; one submission).

Conditions:
Hereditary cancer-predisposing syndrome. Also called: Neoplastic Syndromes, Hereditary; Tumor predisposition; Hereditary neoplastic syndrome; Hereditary Cancer Syndrome. Identifiers: Orphanet 140162, MedGen C0027672, MeSH D009386, MONDO:0015356.

Allele frequency attached by ClinVar (database versions not stated): gnomAD exomes below 0.00001.
gnomAD v4.1: 1 of 1,613,482 alleles (0.000062%); highest among the groups gnomAD compares: Non-Finnish European, 0.000085%; no homozygotes.

Submission:

Ambry Genetics
Classification: Uncertain significance for Hereditary cancer-predisposing syndrome. Last evaluated: 2022-11-08. Review status: criteria provided, single submitter. Criteria: Ambry Variant Classification Scheme 2023. Collection method: clinical testing. Allele origin: germline.
Comment: The p.S239N variant (also known as c.716G>A), located in coding exon 7 of the NBN gene, results from a G to A substitution at nucleotide position 716. The serine at codon 239 is replaced by asparagine, an amino acid with highly similar properties. This alteration has been identified in a patient diagnosed with triple negative breast cancer (Kraus C et al. Int J Cancer, 2017 Jan;140:95-102). This alteration was observed with an allele frequency of 0 in 7,051 unselected female breast cancer patients and was observed with an allele frequency of 0.00018 in 11,241 female controls of Japanese ancestry. In addition, it was not observed in unselected male breast cancer patients and was observed with an allele frequency of 0.0001 in 12,490 male controls of Japanese ancestry (Momozawa Y et al. Nat Commun, 2018 10;9:4083). This alteration has been reported with a carrier frequency of 0 in 7,636 unselected prostate cancer patients and 0.00008 in 12,366 male controls of Japanese ancestry (Momozawa Y et al. J Natl Cancer Inst, 2020 04;112:369-376).This amino acid position is well conserved in available vertebrate species. In addition, this alteration is predicted to be tolerated by in silico analysis. Since supporting evidence is limited at this time, the clinical significance of this alteration remains unclear.

Literature cited by the submitters: PubMed 27616075; PubMed 30287823; PubMed 31214711.